The following is an entry in ClinVar:

ClinVar aggregate classification (germline): Uncertain significance. Review status: criteria provided, multiple submitters, no conflicts (2 of 4 stars). 4 submissions from 4 submitters: Uncertain significance (4). Last evaluated 2025-07-01.

Conditions:
BNAR syndrome. Also called: Bifid Nose With or Without Anorectal and Renal Anomalies (BNAR) Syndrome. Identifiers: Orphanet 217266, MedGen C2750433, MONDO:0012165, OMIM 608980.
Oculotrichoanal syndrome (MOTA). Also called: MARLES SYNDROME; Manitoba Oculotrichoanal (MOTA) Syndrome. Identifiers: Orphanet 2717, MedGen C1855425, MONDO:0009560, OMIM 248450.
Trigonocephaly 2 (TRIGNO2). Identifiers: Orphanet 3366, MedGen C3280974, MONDO:0013774, OMIM 614485.
Inborn genetic diseases. Identifiers: MedGen C0950123, MeSH D030342.

Allele frequency attached by ClinVar (database versions not stated): ExAC 0.00006; gnomAD 0.00006 and 0.00005; gnomAD exomes 0.00005; ESP Exome Variant Server 0.00008; TOPMed 0.00007.
gnomAD v4.1: 72 of 1,612,456 alleles (0.0045%); highest among the groups gnomAD compares: Non-Finnish European, 0.0059%; no homozygotes.

Submissions (4):

Labcorp Genetics (formerly Invitae), Labcorp
Classification: Uncertain significance. Last evaluated: 2025-07-01. Review status: criteria provided, single submitter. Criteria: Invitae Variant Classification Sherloc (09022015). Collection method: clinical testing. Allele origin: germline.
Comment: This sequence change replaces serine, which is neutral and polar, with alanine, which is neutral and non-polar, at codon 1730 of the FREM1 protein (p.Ser1730Ala). This variant is present in population databases (rs370677344, gnomAD 0.01%). This variant has not been reported in the literature in individuals affected with FREM1-related conditions. ClinVar contains an entry for this variant (Variation ID: 914646). Invitae Evidence Modeling of protein sequence and biophysical properties (such as structural, functional, and spatial information, amino acid conservation, physicochemical variation, residue mobility, and thermodynamic stability) indicates that this missense variant is not expected to disrupt FREM1 protein function with a negative predictive value of 80%. In summary, the available evidence is currently insufficient to determine the role of this variant in disease. Therefore, it has been classified as a Variant of Uncertain Significance.

Ambry Genetics
Classification: Uncertain significance for Inborn genetic diseases. Last evaluated: 2024-08-01. Review status: criteria provided, single submitter. Criteria: Ambry Variant Classification Scheme 2023. Collection method: clinical testing. Allele origin: germline.

Fulgent Genetics
Classification: Uncertain significance for Oculotrichoanal syndrome; BNAR syndrome; Trigonocephaly 2. Last evaluated: 2023-12-28. Review status: criteria provided, single submitter. Criteria: ACMG Guidelines, 2015. Collection method: clinical testing. Allele origin: germline.

Illumina Laboratory Services, Illumina
Classification: Uncertain significance for Oculotrichoanal syndrome. Last evaluated: 2018-01-12. Review status: criteria provided, single submitter. Criteria: ICSL Variant Classification Criteria 13 December 2019. Collection method: clinical testing. Allele origin: germline.

NM_001379081.2(FREM1):c.5188T>G (p.Ser1730Ala)

Gene: FREM1 (FRAS1 related extracellular matrix 1; minus strand). Cytogenetic location: 9p22.3.
Variant type: single nucleotide variant.
Coding change: c.5188T>G on transcript NM_001379081.2 (MANE Select); coding-DNA position 5188, T replaced by G.
Protein change: p.Ser1730Ala; replaces serine 1730 with alanine.
Molecular consequence: missense variant. On other transcripts: non-coding transcript variant (1).
Genome position (GRCh38, 1-based): chr9:14,769,740, A>C on the plus strand (T>G on the coding strand, the complement: FREM1 is on the minus strand). VCF-style: chr9-14769740-A-C. GRCh37 (hg19) VCF-style: chr9-14769738-A-C.
Other names: c.796T>G, p.Ser266Ala (NM_001177704.3, NM_001370058.2, NM_001370061.2); c.5188T>G, p.Ser1730Ala (NM_144966.7); short protein forms S1730A, S266A.
Identifiers: ClinVar variation 914646 (VCV000914646.10), dbSNP rs370677344, ClinGen allele CA4989876.